The following is an entry in ClinVar:

ClinVar aggregate classification (germline): Uncertain significance. Review status: criteria provided, multiple submitters, no conflicts (2 of 4 stars). 2 submissions from 2 submitters: Uncertain significance (2). Last evaluated 2025-02-06.

Conditions:
Inborn genetic diseases. Identifiers: MedGen C0950123, MeSH D030342.

Allele frequency attached by ClinVar (database versions not stated): gnomAD 0.00001; ExAC 0.00002; TOPMed 0.00002; gnomAD exomes 0.00003.
gnomAD v4.1: 46 of 1,613,874 alleles (0.0029%); highest among the groups gnomAD compares: Non-Finnish European, 0.0038%; no homozygotes.

Submissions (2):

Ambry Genetics
Classification: Uncertain significance for Inborn genetic diseases. Last evaluated: 2025-02-06. Review status: criteria provided, single submitter. Criteria: Ambry Variant Classification Scheme 2023. Collection method: clinical testing. Allele origin: germline.

Labcorp Genetics (formerly Invitae), Labcorp
Classification: Uncertain significance. Last evaluated: 2022-08-19. Review status: criteria provided, single submitter. Criteria: Invitae Variant Classification Sherloc (09022015). Collection method: clinical testing. Allele origin: germline.
Comment: This sequence change replaces serine, which is neutral and polar, with arginine, which is basic and polar, at codon 195 of the EYS protein (p.Ser195Arg). This variant is present in population databases (rs764334169, gnomAD 0.007%). This variant has not been reported in the literature in individuals affected with EYS-related conditions. Algorithms developed to predict the effect of missense changes on protein structure and function (SIFT, PolyPhen-2, Align-GVGD) all suggest that this variant is likely to be tolerated. In summary, the available evidence is currently insufficient to determine the role of this variant in disease. Therefore, it has been classified as a Variant of Uncertain Significance.

NM_001142800.2(EYS):c.585C>G (p.Ser195Arg)

Gene: EYS (eyes shut homolog; minus strand). Cytogenetic location: 6q12.
Variant type: single nucleotide variant.
Coding change: c.585C>G on transcript NM_001142800.2 (MANE Select); coding-DNA position 585, C replaced by G.
Protein change: p.Ser195Arg; replaces serine 195 with arginine.
Molecular consequence: missense variant.
Genome position (GRCh38, 1-based): chr6:65,494,826, G>C on the plus strand (C>G on the coding strand, the complement: EYS is on the minus strand). VCF-style: chr6-65494826-G-C. GRCh37 (hg19) VCF-style: chr6-66204719-G-C.
Other names: c.585C>G, p.Ser195Arg (NM_001142801.2, NM_001292009.2, NM_198283.2); c.585C>G (NM_001142800.1); short protein forms S195R.
Identifiers: ClinVar variation 2154710 (VCV002154710.2), dbSNP rs764334169, ClinGen allele CA3878054.